The following is an entry in ClinVar:

ClinVar aggregate classification (germline): Pathogenic (1 of 4 stars; one submission).

Submission:

Labcorp Genetics (formerly Invitae), Labcorp
Classification: Pathogenic. Last evaluated: 2023-01-25. Review status: criteria provided, single submitter. Criteria: Invitae Variant Classification Sherloc (09022015). Collection method: clinical testing. Allele origin: germline.
Comment: This sequence change creates a premature translational stop signal (p.Gln466*) in the ABCB11 gene. It is expected to result in an absent or disrupted protein product. Loss-of-function variants in ABCB11 are known to be pathogenic (PMID: 18395098, 20232290). This variant is not present in population databases (gnomAD no frequency). This variant has not been reported in the literature in individuals affected with ABCB11-related conditions. For these reasons, this variant has been classified as Pathogenic.

Literature cited by the submitters: PubMed 18395098; PubMed 20232290.

NM_003742.4(ABCB11):c.1396C>T (p.Gln466Ter)

Gene: ABCB11 (ATP binding cassette subfamily B member 11; minus strand). Cytogenetic location: 2q31.1.
Variant type: single nucleotide variant.
Coding change: c.1396C>T on transcript NM_003742.4 (MANE Select); coding-DNA position 1396, C replaced by T.
Protein change: p.Gln466Ter; replaces glutamine 466 with a stop codon.
Molecular consequence: nonsense.
Genome position (GRCh38, 1-based): chr2:168,973,753, G>A on the plus strand (C>T on the coding strand, the complement: ABCB11 is on the minus strand). VCF-style: chr2-168973753-G-A. GRCh37 (hg19) VCF-style: chr2-169830263-G-A.
Other names: short protein forms Q466*.
Identifiers: ClinVar variation 2831850 (VCV002831850.3), dbSNP rs200148505, ClinGen allele CA349117143.